The following is an entry in ClinVar:

NM_002890.3(RASA1):c.1435G>T (p.Gly479Cys)

Genes: CCNH (cyclin H; minus strand), RASA1 (RAS p21 protein activator 1; plus strand). Cytogenetic location: 5q14.3.
Variant type: single nucleotide variant.
Coding change: c.1435G>T on transcript NM_002890.3 (MANE Select); coding-DNA position 1435, G replaced by T.
Protein change: p.Gly479Cys; replaces glycine 479 with cysteine.
Molecular consequence: missense variant. On other transcripts: intron variant (1).
Genome position (GRCh38, 1-based): chr5:87,362,653, G>T. VCF-style: chr5-87362653-G-T. GRCh37 (hg19) VCF-style: chr5-86658470-G-T.
Other names: c.904G>T, p.Gly302Cys (NM_022650.3); c.933+32391C>A (NM_001364075.2); short protein forms G479C, G302C.
Identifiers: ClinVar variation 5006929 (VCV005006929.2).

ClinVar aggregate classification (germline): Uncertain significance (1 of 4 stars; one submission).

Conditions:
Basal cell carcinoma, susceptibility to, 1. Also called: BCC1. Identifiers: MedGen C2751544, MONDO:0011556, OMIM 605462.
Capillary malformation-arteriovenous malformation 1 (CMAVM1). Identifiers: Orphanet 137667, Orphanet 693907, MedGen C4747394, MONDO:0020783, OMIM 608354.

Submission:

Juno Genomics, Hangzhou Juno Genomics, Inc
Classification: Uncertain significance for Basal cell carcinoma, susceptibility to, 1; Capillary malformation-arteriovenous malformation 1. Review status: criteria provided, single submitter. Criteria: ACMG Guidelines, 2015. Collection method: clinical testing. Allele origin: germline.
Comment: Absent from controls (or at extremely low frequency if recessive) in Genome Aggregation Database.;Missense variant in a gene that has a low rate of benign missense variation.;Multiple lines of computational evidence support a deleterious effect on the gene or gene product.